The following is an entry in ClinVar:

ClinVar aggregate classification (germline): Pathogenic/Likely pathogenic. Review status: criteria provided, multiple submitters, no conflicts (2 of 4 stars). 3 submissions from 3 submitters: Pathogenic (2); Likely pathogenic (1). Last evaluated 2024-09-11.

Conditions:
Joubert syndrome. Also called: JOUBERT-BOLTSHAUSER SYNDROME; Familial aplasia of the vermis. Identifiers: Orphanet 475, MedGen C5979921, MONDO:0018772.
Meckel-Gruber syndrome. Also called: Dysencephalia splachnocystica; DYSENCEPHALIA SPLANCHNOCYSTICA; GRUBER SYNDROME. Identifiers: Orphanet 564, MedGen C0265215, MONDO:0018921.
CC2D2A-related disorder. Also called: CC2D2A-related disorders; CC2D2A-related condition. Identifiers: MedGen CN239313.
Inborn genetic diseases. Identifiers: MedGen C0950123, MeSH D030342.

Allele frequency attached by ClinVar (database versions not stated): gnomAD exomes 0.00001; TOPMed 0.00001.
gnomAD v4.1: 9 of 1,553,556 alleles (0.00058%); highest among the groups gnomAD compares: Non-Finnish European, 0.0007%; no homozygotes.

Submissions (3):

Labcorp Genetics (formerly Invitae), Labcorp
Classification: Pathogenic for Joubert syndrome; Meckel-Gruber syndrome. Last evaluated: 2024-09-11. Review status: criteria provided, single submitter. Criteria: Invitae Variant Classification Sherloc (09022015). Collection method: clinical testing. Allele origin: germline.
Comment: This sequence change creates a premature translational stop signal (p.Gln305*) in the CC2D2A gene. It is expected to result in an absent or disrupted protein product. Loss-of-function variants in CC2D2A are known to be pathogenic (PMID: 19777577). The frequency data for this variant in the population databases is considered unreliable, as metrics indicate poor data quality at this position in the gnomAD database. This variant has not been reported in the literature in individuals affected with CC2D2A-related conditions. ClinVar contains an entry for this variant (Variation ID: 632433). Algorithms developed to predict the effect of sequence changes on RNA splicing suggest that this variant may disrupt the consensus splice site. For these reasons, this variant has been classified as Pathogenic.

Blueprint Genetics
Classification: Likely pathogenic for CC2D2A-related disorders. Last evaluated: 2020-10-02. Review status: criteria provided, single submitter. Criteria: ACMG Guidelines, 2015. Collection method: clinical testing. Allele origin: germline. Affected: yes. Observed: 1 variant allele.

Ambry Genetics
Classification: Pathogenic for Inborn genetic diseases. Last evaluated: 2018-06-13. Review status: criteria provided, single submitter. Criteria: Ambry exome assertion method (8-5-2015). Collection method: clinical testing. Allele origin: germline. Affected: yes. Observed: 1 variant allele.

Literature cited by the submitters: PubMed 19777577 (cited by Labcorp Genetics (formerly Invitae), Labcorp).

NM_001378615.1(CC2D2A):c.913C>T (p.Gln305Ter)

Genes: CC2D2A (coiled-coil and C2 domain containing 2A; plus strand), FBXL5 (F-box and leucine rich repeat protein 5; minus strand). Cytogenetic location: 4p15.32.
Variant type: single nucleotide variant.
Coding change: c.913C>T on transcript NM_001378615.1 (MANE Select); coding-DNA position 913, C replaced by T.
Protein change: p.Gln305Ter; replaces glutamine 305 with a stop codon.
Molecular consequence: nonsense.
Genome position (GRCh38, 1-based): chr4:15,515,900, C>T. VCF-style: chr4-15515900-C-T. GRCh37 (hg19) VCF-style: chr4-15517523-C-T.
Other names: c.913C>T, p.Gln305Ter (NM_001080522.2); c.766C>T, p.Gln256Ter (NM_001378617.1); short protein forms Q305*, Q256*.
Identifiers: ClinVar variation 632433 (VCV000632433.14), dbSNP rs1158349299, ClinGen allele CA356409564.